The following is an entry in ClinVar:

NM_017514.5(PLXNA3):c.1740G>A (p.Ala580=)

Gene: PLXNA3 (plexin A3; plus strand). Cytogenetic location: Xq28.
Variant type: single nucleotide variant.
Coding change: c.1740G>A on transcript NM_017514.5 (MANE Select); coding-DNA position 1740, G replaced by A.
Protein change: p.Ala580=; no amino-acid change (alanine 580 retained).
Molecular consequence: synonymous variant.
Genome position (GRCh38, 1-based): chrX:154,464,225, G>A. VCF-style: chrX-154464225-G-A. GRCh37 (hg19) VCF-style: chrX-153692568-G-A.
Identifiers: ClinVar variation 762542 (VCV000762542.5), dbSNP rs186879417, ClinGen allele CA10564162.
Genomic context (GRCh38, chrX:154,464,225, plus strand): 5'-CACCCTGCACAACGTGCCAGACCTCAGTGCGGGCGTGAGCTGCGCCTTCGAGGCGGCGGC[G>A]GAGAACGAGGCGGTCCTGCTGCCCTCCGGTGAACTGCTCTGCCCCTCACCCTCCCTCCAG-3'
Protein context (NP_059984.3, residues 570-590): AGVSCAFEAA[Ala580=]ENEAVLLPSG

ClinVar aggregate classification (germline): Likely benign. Review status: criteria provided, single submitter (1 of 4 stars). 2 submissions from 2 submitters: Likely benign (1). 1 of the submissions does not count toward it. Last evaluated 2018-07-23.

Conditions:
PLXNA3-related disorder. Also called: PLXNA3-related condition.

Allele frequency attached by ClinVar (database versions not stated): gnomAD exomes 0.00004 and 0.00008; ExAC 0.00010; gnomAD 0.00015 and 0.00016; TOPMed 0.00016; ESP Exome Variant Server 0.00019; 1000 Genomes Project 30x 0.00021; 1000 Genomes Project 0.00026.
gnomAD v4.1: 67 of 1,207,091 alleles (0.0056%); highest among the groups gnomAD compares: African/African-American, 0.052%; no homozygotes.

Submissions (2):

Labcorp Genetics (formerly Invitae), Labcorp
Classification: Likely benign. Last evaluated: 2018-07-23. Review status: criteria provided, single submitter. Criteria: Invitae Variant Classification Sherloc (09022015). Collection method: clinical testing. Allele origin: germline.

PreventionGenetics, part of Exact Sciences
Classification: Likely benign for PLXNA3-related condition. Last evaluated: 2022-03-24. Review status: no assertion criteria provided. Collection method: clinical testing. Allele origin: germline. Not counted in ClinVar's aggregate classification.
Comment: This variant is classified as likely benign based on ACMG/AMP sequence variant interpretation guidelines (Richards et al. 2015 PMID: 25741868, with internal and published modifications).